The following is an entry in ClinVar:

NM_000512.5(GALNS):c.719A>G (p.Tyr240Cys)

Gene: GALNS (galactosamine (N-acetyl)-6-sulfatase; minus strand). Cytogenetic location: 16q24.3.
Variant type: single nucleotide variant.
Coding change: c.719A>G on transcript NM_000512.5 (MANE Select); coding-DNA position 719, A replaced by G.
Protein change: p.Tyr240Cys; replaces tyrosine 240 with cysteine.
Molecular consequence: missense variant.
Genome position (GRCh38, 1-based): chr16:88,835,764, T>C on the plus strand (A>G on the coding strand, the complement: GALNS is on the minus strand). VCF-style: chr16-88835764-T-C. GRCh37 (hg19) VCF-style: chr16-88902172-T-C.
Other names: c.164A>G, p.Tyr55Cys (NM_001323543.2); c.737A>G, p.Tyr246Cys (NM_001323544.2); short protein forms Y240C, Y246C, Y55C.
Identifiers: ClinVar variation 1048206 (VCV001048206.14), dbSNP rs752039956, ClinGen allele CA286402788.

ClinVar aggregate classification (germline): Pathogenic/Likely pathogenic. Review status: criteria provided, multiple submitters, no conflicts (2 of 4 stars). 5 submissions from 5 submitters: Pathogenic (2); Likely pathogenic (3). Last evaluated 2021-11-07.

Conditions:
Mucopolysaccharidosis, MPS-IV-A (MPS4A). Also called: Mucopolysaccharidosis type IV A; Mucopolysaccharidosis Type IVA; Morquio syndrome A, mild; MORQUIO SYNDROME A; MPS IVA; mucopolysaccharidosis type 4A. Identifiers: Orphanet 309297, Orphanet 582, MedGen C0086651, MONDO:0009659, OMIM 253000.

Allele frequency attached by ClinVar (database versions not stated): TOPMed below 0.00001; gnomAD exomes 0.00001.
gnomAD v4.1: 20 of 1,614,116 alleles (0.0012%); highest among the groups gnomAD compares: Non-Finnish European, 0.0017%; no homozygotes.

Submissions (5):

Genome-Nilou Lab
Classification: Likely pathogenic for Mucopolysaccharidosis, MPS-IV-A. Last evaluated: 2021-11-07. Review status: criteria provided, single submitter. Criteria: ACMG Guidelines, 2015. Collection method: clinical testing. Allele origin: germline. Affected: no.

Laboratory of Medical Genetics, National & Kapodistrian University of Athens
Classification: Pathogenic for Mucopolysaccharidosis, MPS-IV-A. Last evaluated: 2021-10-01. Review status: criteria provided, single submitter. Criteria: ACMG Guidelines, 2015. Collection method: clinical testing. Allele origin: unknown. Affected: yes.
Comment: PM1, PM2, PP2, PP3, PP5

Labcorp Genetics (formerly Invitae), Labcorp
Classification: Pathogenic for Mucopolysaccharidosis, MPS-IV-A. Last evaluated: 2021-08-02. Review status: criteria provided, single submitter. Criteria: Invitae Variant Classification Sherloc (09022015). Collection method: clinical testing. Allele origin: germline.
Comment: For these reasons, this variant has been classified as Pathogenic. Advanced modeling of protein sequence and biophysical properties (such as structural, functional, and spatial information, amino acid conservation, physicochemical variation, residue mobility, and thermodynamic stability) performed at Invitae indicates that this missense variant is expected to disrupt GALNS protein function. This missense change has been observed in individual(s) with mucopolysaccharidosis type IVA (PMID: 24120057, 24875751, 30458289). This variant is not present in population databases (ExAC no frequency). This sequence change replaces tyrosine with cysteine at codon 240 of the GALNS protein (p.Tyr240Cys). The tyrosine residue is moderately conserved and there is a large physicochemical difference between tyrosine and cysteine.

Laboratory of Diagnosis and Therapy of Lysosomal Disorders, University of Padova
Classification: Likely pathogenic for Mucopolysaccharidosis, MPS-IV-A. Last evaluated: 2021-02-01. Review status: criteria provided, single submitter. Criteria: ACMG Guidelines, 2015. Collection method: curation. Allele origin: germline. Affected: yes.
Comment: In vivo functional studies supportive of a damaging effect on the gene product (low to null enzymatic activity in homozygotes; PS3_supporting); the prevalence of the variant in affected individuals is significantly increased compared with the prevalence in controls (PS4_strong); very low frequency in gnomAD v2.1.1 (PM2_moderate); multiple lines of computational evidence support a deleterious effect on the gene (PP3_supporting)

Juno Genomics, Hangzhou Juno Genomics, Inc
Classification: Likely pathogenic for Mucopolysaccharidosis, MPS-IV-A. Review status: criteria provided, single submitter. Criteria: ACMG Guidelines, 2015. Collection method: clinical testing. Allele origin: germline. Affected: yes.
Comment: Absent from controls (or at extremely low frequency if recessive) in Genome Aggregation Database, Exome Sequencing Project, 1000 Genomes Project, or Exome Aggregation Consortium.;Multiple lines of computational evidence support a deleterious effect on the gene or gene product (conservation, evolutionary, splicing impact, etc).;For recessive disorders, detected in trans with a pathogenic variant.;Patient's phenotype or family history is highly specific for a disease with a single genetic etiology.

Literature cited by the submitters: PubMed 34008892 (cited by Laboratory of Medical Genetics, National & Kapodistrian University of Athens); PubMed 24120057 (cited by Labcorp Genetics (formerly Invitae), Labcorp and Laboratory of Diagnosis and Therapy of Lysosomal Disorders, University of Padova); PubMed 24875751 (cited by Labcorp Genetics (formerly Invitae), Labcorp and Laboratory of Diagnosis and Therapy of Lysosomal Disorders, University of Padova); PubMed 30458289 (cited by Labcorp Genetics (formerly Invitae), Labcorp and Laboratory of Diagnosis and Therapy of Lysosomal Disorders, University of Padova); PubMed 24726177 (cited by Laboratory of Diagnosis and Therapy of Lysosomal Disorders, University of Padova); PubMed 34387910 (cited by Laboratory of Diagnosis and Therapy of Lysosomal Disorders, University of Padova).